The following is an entry in ClinVar:

NM_017613.4(DONSON):c.1254dup (p.Lys419Ter)

Gene: DONSON (DNA replication fork stabilization factor DONSON; minus strand). Cytogenetic location: 21q22.11.
Variant type: Duplication.
Coding change: c.1254dup on transcript NM_017613.4 (MANE Select); coding-DNA position 1254, one base duplicated (T; older notation c.1254dupT).
Protein change: p.Lys419Ter; replaces lysine 419 with a stop codon.
Molecular consequence: nonsense.
Genome position (GRCh38, 1-based): chr21:33,581,398, A duplicated on the plus strand (T on the coding strand, the reverse complement: DONSON is on the minus strand). VCF-style (leftmost placement, unchanged base first): chr21-33581397-T-TA. GRCh37 (hg19) VCF-style: chr21-34953703-T-TA.
Other names: short protein forms K419*.
Identifiers: ClinVar variation 521608 (VCV000521608.12), dbSNP rs765112107, ClinGen allele CA10010368.

ClinVar aggregate classification (germline): Pathogenic/Likely pathogenic. Review status: criteria provided, multiple submitters, no conflicts (2 of 4 stars). 4 submissions from 4 submitters: Pathogenic (2); Likely pathogenic (2). Last evaluated 2025-12-25.

Conditions:
Microcephaly, short stature, and limb abnormalities. Identifiers: Orphanet 572773, MedGen C4539873, MONDO:0060533, OMIM 617604.
DONSON-related disorders.
Inborn genetic diseases. Identifiers: MedGen C0950123, MeSH D030342.

Allele frequency attached by ClinVar (database versions not stated): ExAC 0.00001; gnomAD exomes 0.00001; gnomAD 0.00002; TOPMed 0.00002.

Submissions (4):

Labcorp Genetics (formerly Invitae), Labcorp
Classification: Pathogenic. Last evaluated: 2025-12-25. Review status: criteria provided, single submitter. Criteria: Invitae Variant Classification Sherloc (09022015). Collection method: clinical testing. Allele origin: germline.
Comment: This sequence change creates a premature translational stop signal (p.Lys419*) in the DONSON gene. It is expected to result in an absent or disrupted protein product. Loss-of-function variants in DONSON are known to be pathogenic (PMID: 28191891, 28630177). This variant is present in population databases (rs765112107, gnomAD 0.0009%). This premature translational stop signal has been observed in individual(s) with clinical features of microcephaly-micromelia syndrome (PMID: 28191891). ClinVar contains an entry for this variant (Variation ID: 521608). Algorithms developed to predict the effect of sequence changes on RNA splicing suggest that this variant may disrupt the consensus splice site. For these reasons, this variant has been classified as Pathogenic.

Blueprint Genetics
Classification: Likely pathogenic for DONSON-related disorders. Last evaluated: 2021-12-07. Review status: criteria provided, single submitter. Criteria: ACMG Guidelines, 2015. Collection method: clinical testing. Allele origin: germline. Affected: yes. Observed: 1 variant allele.

Department of Clinical Genetics, Copenhagen University Hospital, Rigshospitalet
Classification: Likely pathogenic for Microcephaly, short stature, and limb abnormalities. Last evaluated: 2021-08-01. Review status: criteria provided, single submitter. Criteria: ACMG Guidelines, 2015. Collection method: clinical testing. Allele origin: inherited. Affected: yes.

Ambry Genetics
Classification: Pathogenic for Inborn genetic diseases. Last evaluated: 2017-04-28. Review status: criteria provided, single submitter. Criteria: Ambry exome assertion method (8-5-2015). Collection method: clinical testing. Allele origin: germline. Affected: yes. Observed: 1 variant allele.

Literature cited by the submitters: PubMed 28191891 (cited by Labcorp Genetics (formerly Invitae), Labcorp and Ambry Genetics); PubMed 28630177 (cited by Labcorp Genetics (formerly Invitae), Labcorp).